The following is an entry in ClinVar:

NM_020401.4(NUP107):c.100+1G>A

Gene: NUP107 (nucleoporin 107; plus strand). Cytogenetic location: 12q15.
Variant type: single nucleotide variant.
Coding change: c.100+1G>A on transcript NM_020401.4 (MANE Select); the canonical splice donor site of the intron after coding-DNA position 100, G replaced by A.
Molecular consequence: splice donor variant.
Genome position (GRCh38, 1-based): chr12:68,689,054, G>A. VCF-style: chr12-68689054-G-A. GRCh37 (hg19) VCF-style: chr12-69082834-G-A.
Other names: c.-16+1G>A (NM_001330192.2).
Identifiers: ClinVar variation 3377232 (VCV003377232.2).

ClinVar aggregate classification (germline): Uncertain significance. Review status: criteria provided, multiple submitters, no conflicts (2 of 4 stars). 2 submissions from 2 submitters: Uncertain significance (2). Last evaluated 2026-06-10.

Conditions:
NUP107-related disorder. Also called: NUP107-related condition.
Nephrotic syndrome, type 11 (NPHS11). Identifiers: Orphanet 656, MedGen C4225228, MONDO:0014752, OMIM 616730.

gnomAD v4.1: 31 of 1,605,158 alleles (0.0019%); highest among the groups gnomAD compares: Non-Finnish European, 0.0024%; no homozygotes.

Submissions (2):

PreventionGenetics, part of Exact Sciences
Classification: Uncertain significance for NUP107-related condition. Last evaluated: 2026-06-10. Review status: criteria provided, single submitter. Criteria: ACMG Guidelines, 2015. Collection method: clinical testing. Allele origin: germline.
Comment: The NUP107 c.100+1G>A variant is predicted to disrupt the GT donor site and interfere with normal splicing. To our knowledge, this variant has not been reported in the literature. This variant occurs within the 5' UTR in an alternate transcript c.-16+1G>A (NM_001330192.1). This variant is reported in 0.0016% of alleles in individuals of European (Non-Finnish) descent in gnomAD. At this time, the clinical significance of this variant is uncertain due to the absence of conclusive functional and genetic evidence.

Victorian Clinical Genetics Services, Murdoch Childrens Research Institute
Classification: Uncertain significance for Nephrotic syndrome, type 11. Last evaluated: 2024-10-08. Review status: criteria provided, single submitter. Criteria: ACMG Guidelines, 2015. Collection method: clinical testing. Allele origin: germline. Inheritance: Autosomal recessive inheritance. Affected: yes.
Comment: Based on the classification scheme VCGS_Germline_v1.3.4, this variant is classified as VUS-3A. Following criteria are met: 0102 - Loss of function is a known mechanism of disease in this gene and is associated with Galloway-Mowat syndrome 7 (MIM#618348) and Nephrotic syndrome, type 11 (MIM#616730) (PMID:26411495, 30179222). (I) 0106 - This gene is associated with autosomal recessive disease. (I) 0211 - Canonical splice site variant without proven consequence on splicing (no functional evidence available). (SP) 0251 - This variant is heterozygous. (I) 0304 - Variant is present in gnomAD <0.01 for a recessive condition (2 heterozygotes, 0 homozygotes). (SP) 0508 - In silico predictions for abnormal splicing are conflicting. (I) 0705 - No comparable splice site variants have previous evidence for pathogenicity. (I) 0807 - This variant has no previous evidence of pathogenicity. (I) 0905 - No published segregation evidence has been identified for this variant. (I) 1007 - No published functional evidence has been identified for this variant. (I) 1208 - Inheritance information for this variant is not currently available in this individual. (I) Legend: (SP) - Supporting pathogenic, (I) - Information, (SB) - Supporting benign

Literature cited by the submitters: PubMed 26411495 (cited by Victorian Clinical Genetics Services, Murdoch Childrens Research Institute); PubMed 30179222 (cited by Victorian Clinical Genetics Services, Murdoch Childrens Research Institute).